The following is an entry in ClinVar:

NM_001365276.2(TNXB):c.6716G>A (p.Arg2239Gln)

Gene: TNXB (tenascin XB; minus strand). Cytogenetic location: 6p21.33.
Variant type: single nucleotide variant.
Coding change: c.6716G>A on transcript NM_001365276.2 (MANE Select); coding-DNA position 6716, G replaced by A.
Protein change: p.Arg2239Gln; replaces arginine 2239 with glutamine.
Molecular consequence: missense variant.
Genome position (GRCh38, 1-based): chr6:32,064,946, C>T on the plus strand (G>A on the coding strand, the complement: TNXB is on the minus strand). VCF-style: chr6-32064946-C-T. GRCh37 (hg19) VCF-style: chr6-32032723-C-T.
Other names: c.6716G>A, p.Arg2239Gln (NM_019105.8); short protein forms R2239Q.
Identifiers: ClinVar variation 1755069 (VCV001755069.4), dbSNP rs375698113, ClinGen allele CA3734350.

ClinVar aggregate classification (germline): Uncertain significance. Review status: criteria provided, multiple submitters, no conflicts (2 of 4 stars). 2 submissions from 2 submitters: Uncertain significance (2). Last evaluated 2025-10-29.

Conditions:
Cardiovascular phenotype. Identifiers: MedGen CN230736.

gnomAD v4.1: 6 of 1,612,842 alleles (0.00037%); highest among the groups gnomAD compares: Non-Finnish European, 0.00051%; no homozygotes.

Submissions (2):

Ambry Genetics
Classification: Uncertain significance for Cardiovascular phenotype. Last evaluated: 2025-10-29. Review status: criteria provided, single submitter. Criteria: Ambry Variant Classification Scheme 2023. Collection method: clinical testing. Allele origin: germline.
Comment: The p.R2239Q variant (also known as c.6716G>A), located in coding exon 18 of the TNXB gene, results from a G to A substitution at nucleotide position 6716. The arginine at codon 2239 is replaced by glutamine, an amino acid with highly similar properties. This amino acid position is well conserved in available vertebrate species. In addition, this alteration is predicted to be tolerated by in silico analysis. Since supporting evidence is limited at this time, the clinical significance of this alteration remains unclear.

GeneDx
Classification: Uncertain significance. Last evaluated: 2023-07-28. Review status: criteria provided, single submitter. Criteria: GeneDx Variant Classification Process June 2021. Collection method: clinical testing. Allele origin: germline. Affected: yes.
Comment: Not observed at significant frequency in large population cohorts (gnomAD); In silico analysis supports that this missense variant does not alter protein structure/function; Has not been previously published as pathogenic or benign to our knowledge